The following is an entry in ClinVar:

ClinVar aggregate classification (germline): Uncertain significance (1 of 4 stars; one submission).

Conditions:
Hereditary cancer-predisposing syndrome. Also called: Neoplastic Syndromes, Hereditary; Tumor predisposition; Hereditary Cancer Syndrome; Hereditary neoplastic syndrome. Identifiers: Orphanet 140162, MedGen C0027672, MeSH D009386, MONDO:0015356.

Submission:

Ambry Genetics
Classification: Uncertain significance for Hereditary cancer-predisposing syndrome. Last evaluated: 2024-11-25. Review status: criteria provided, single submitter. Criteria: Ambry Variant Classification Scheme 2023. Collection method: clinical testing. Allele origin: germline.
Comment: The p.Q527R variant (also known as c.1580A>G), located in coding exon 11 of the MSH3 gene, results from an A to G substitution at nucleotide position 1580. The glutamine at codon 527 is replaced by arginine, an amino acid with highly similar properties. This amino acid position is conserved. In addition, this alteration is predicted to be tolerated by in silico analysis. Since supporting evidence is limited at this time, the clinical significance of this alteration remains unclear.

NM_002439.5(MSH3):c.1580A>G (p.Gln527Arg)

Gene: MSH3 (mutS homolog 3; plus strand). Cytogenetic location: 5q14.1.
Variant type: single nucleotide variant.
Coding change: c.1580A>G on transcript NM_002439.5 (MANE Select); coding-DNA position 1580, A replaced by G.
Protein change: p.Gln527Arg; replaces glutamine 527 with arginine.
Molecular consequence: missense variant.
Genome position (GRCh38, 1-based): chr5:80,741,475, A>G. VCF-style: chr5-80741475-A-G. GRCh37 (hg19) VCF-style: chr5-80037294-A-G.
Other names: short protein forms Q527R.
Identifiers: ClinVar variation 1775684 (VCV001775684.3), dbSNP rs2546760416, ClinGen allele CA360274437.